The following is an entry in ClinVar:

NM_181789.4(GLDN):c.1422C>T (p.Asn474=)

Gene: GLDN (gliomedin; plus strand). Cytogenetic location: 15q21.2.
Variant type: single nucleotide variant.
Coding change: c.1422C>T on transcript NM_181789.4 (MANE Select); coding-DNA position 1422, C replaced by T.
Protein change: p.Asn474=; no amino-acid change (asparagine 474 retained).
Molecular consequence: synonymous variant.
Genome position (GRCh38, 1-based): chr15:51,404,520, C>T. VCF-style: chr15-51404520-C-T. GRCh37 (hg19) VCF-style: chr15-51696717-C-T.
Other names: c.1050C>T, p.Asn350= (NM_001330297.2).
Identifiers: ClinVar variation 3052968 (VCV003052968.7), dbSNP rs760906296, ClinGen allele CA7560753.

ClinVar aggregate classification (germline): Likely benign. Review status: criteria provided, single submitter (1 of 4 stars). 2 submissions from 2 submitters: Likely benign (1). 1 of the submissions does not count toward it. Last evaluated 2025-12-01.

Conditions:
GLDN-related disorder. Also called: GLDN-related condition.

Allele frequency attached by ClinVar (database versions not stated): TOPMed 0.00008; ExAC 0.00014; gnomAD 0.00023.
gnomAD v4.1: 339 of 1,613,872 alleles (0.021%); highest among the groups gnomAD compares: Middle Eastern, 0.049%; no homozygotes.

Submissions (2):

CeGaT Center for Human Genetics Tuebingen
Classification: Likely benign. Last evaluated: 2025-12-01. Review status: criteria provided, single submitter. Criteria: CeGaT Center For Human Genetics Tuebingen Variant Classification Criteria Version 2. Collection method: clinical testing. Allele origin: germline. Affected: yes. Observed: 1 variant allele.
Comment: GLDN: BP4, BP7

PreventionGenetics, part of Exact Sciences
Classification: Likely benign for GLDN-related condition. Last evaluated: 2019-09-05. Review status: no assertion criteria provided. Collection method: clinical testing. Allele origin: germline. Not counted in ClinVar's aggregate classification.
Comment: This variant is classified as likely benign based on ACMG/AMP sequence variant interpretation guidelines (Richards et al. 2015 PMID: 25741868, with internal and published modifications).